The following is an entry in ClinVar:

NM_000195.5(HPS1):c.324G>C (p.Lys108Asn)

Gene: HPS1 (HPS1 biogenesis of lysosomal organelles complex 3 subunit 1; minus strand). Cytogenetic location: 10q24.2.
Variant type: single nucleotide variant.
Coding change: c.324G>C on transcript NM_000195.5 (MANE Select); coding-DNA position 324, G replaced by C.
Protein change: p.Lys108Asn; replaces lysine 108 with asparagine.
Molecular consequence: missense variant. On other transcripts: 5 prime UTR variant (2), intron variant (7).
Genome position (GRCh38, 1-based): chr10:98,435,346, C>G on the plus strand (G>C on the coding strand, the complement: HPS1 is on the minus strand). VCF-style: chr10-98435346-C-G. GRCh37 (hg19) VCF-style: chr10-100195103-C-G.
Other names: c.-593G>C (NM_001311345.2); c.324G>C, p.Lys108Asn (NM_001322476.2, NM_001322477.2, NM_001322478.2 and 5 more transcripts); c.-692G>C (NM_001322487.2); c.29+289G>C (NM_001322483.2, NM_001322485.2, NM_001322484.2); c.255+289G>C (NM_001322480.2, NM_001322482.2, NM_001322481.2); c.-519+289G>C (NM_001322489.2); short protein forms K108N.
Identifiers: ClinVar variation 2063400 (VCV002063400.1), dbSNP rs375319392, ClinGen allele CA5639430.

ClinVar aggregate classification (germline): Uncertain significance (1 of 4 stars; one submission).

Allele frequency attached by ClinVar (database versions not stated): ExAC 0.00001; TOPMed 0.00001; gnomAD exomes 0.00002; ESP Exome Variant Server 0.00008.
gnomAD v4.1: 31 of 1,613,984 alleles (0.0019%); highest among the groups gnomAD compares: Non-Finnish European, 0.0025%; no homozygotes.

Submission:

Labcorp Genetics (formerly Invitae), Labcorp
Classification: Uncertain significance. Last evaluated: 2022-06-13. Review status: criteria provided, single submitter. Criteria: Invitae Variant Classification Sherloc (09022015). Collection method: clinical testing. Allele origin: germline.
Comment: This sequence change replaces lysine, which is basic and polar, with asparagine, which is neutral and polar, at codon 108 of the HPS1 protein (p.Lys108Asn). This variant is present in population databases (rs375319392, gnomAD 0.007%). This variant has not been reported in the literature in individuals affected with HPS1-related conditions. Algorithms developed to predict the effect of missense changes on protein structure and function are either unavailable or do not agree on the potential impact of this missense change (SIFT: "Deleterious"; PolyPhen-2: "Probably Damaging"; Align-GVGD: "Class C0"). In summary, the available evidence is currently insufficient to determine the role of this variant in disease. Therefore, it has been classified as a Variant of Uncertain Significance.